The following is an entry in ClinVar:

ClinVar aggregate classification (germline): Uncertain significance. Review status: criteria provided, multiple submitters, no conflicts (2 of 4 stars). 3 submissions from 3 submitters: Uncertain significance (2). 1 of the submissions does not count toward it. Last evaluated 2022-10-13.

Conditions:
Retinal dystrophy. Also called: Inherited retinal dystrophy. Identifiers: Orphanet 71862, MedGen C0854723, MeSH D058499, MONDO:0019118, HP:0000556.
Leber congenital amaurosis 4 (LCA4). Identifiers: MedGen C1858386, MONDO:0011458, OMIM 604393.

Allele frequency attached by ClinVar (database versions not stated): gnomAD 0.00001; TOPMed 0.00002; gnomAD exomes 0.00004; ExAC 0.00006.

Submissions (3):

Blueprint Genetics
Classification: Uncertain significance. Last evaluated: 2022-10-13. Review status: criteria provided, single submitter. Criteria: ACMG Guidelines, 2015. Collection method: clinical testing. Allele origin: germline.

Labcorp Genetics (formerly Invitae), Labcorp
Classification: Uncertain significance for Leber congenital amaurosis 4. Last evaluated: 2022-08-10. Review status: criteria provided, single submitter. Criteria: Invitae Variant Classification Sherloc (09022015). Collection method: clinical testing. Allele origin: germline.
Comment: This sequence change replaces arginine, which is basic and polar, with glutamine, which is neutral and polar, at codon 80 of the AIPL1 protein (p.Arg80Gln). This variant is present in population databases (rs781282752, gnomAD 0.005%). This variant has not been reported in the literature in individuals affected with AIPL1-related conditions. ClinVar contains an entry for this variant (Variation ID: 1434376). Algorithms developed to predict the effect of missense changes on protein structure and function are either unavailable or do not agree on the potential impact of this missense change (SIFT: "Tolerated"; PolyPhen-2: "Probably Damaging"; Align-GVGD: "Class C0"). Algorithms developed to predict the effect of sequence changes on RNA splicing suggest that this variant may create or strengthen a splice site. In summary, the available evidence is currently insufficient to determine the role of this variant in disease. Therefore, it has been classified as a Variant of Uncertain Significance.

Institute of Human Genetics, Univ. Regensburg, Univ. Regensburg
Classification: Uncertain significance for Retinal dystrophy. Last evaluated: 2020-01-01. Review status: no assertion criteria provided. Criteria: ACMG Guidelines, 2015. Collection method: clinical testing. Allele origin: germline. Affected: yes. Not counted in ClinVar's aggregate classification.

NM_014336.5(AIPL1):c.239G>A (p.Arg80Gln)

Gene: AIPL1 (AIP like 1 HSP90 co-chaperone; minus strand). Cytogenetic location: 17p13.2.
Variant type: single nucleotide variant.
Coding change: c.239G>A on transcript NM_014336.5 (MANE Select); coding-DNA position 239, G replaced by A.
Protein change: p.Arg80Gln; replaces arginine 80 with glutamine.
Molecular consequence: missense variant. On other transcripts: intron variant (1).
Genome position (GRCh38, 1-based): chr17:6,433,956, C>T on the plus strand (G>A on the coding strand, the complement: AIPL1 is on the minus strand). VCF-style: chr17-6433956-C-T. GRCh37 (hg19) VCF-style: chr17-6337276-C-T.
Other names: c.239G>A, p.Arg80Gln (NM_001033054.3, NM_001285401.3, NM_001285403.4); c.203G>A, p.Arg68Gln (NM_001285399.3); c.173G>A, p.Arg58Gln (NM_001285400.3); c.122G>A, p.Arg41Gln (NM_001285402.2); c.96+1053G>A (NM_001033055.3); short protein forms R58Q, R41Q, R80Q, R68Q.
Identifiers: ClinVar variation 1434376 (VCV001434376.7), dbSNP rs781282752, ClinGen allele CA8328588.
Genomic context (GRCh38, chr17:6,433,956, plus strand): 5'-ACAGGCGCGCAGGGCCTACTTACGATGGTGTCGCACCAGAACTCGGCCACCTCGTGCACC[C>T]GCATGGAGGTAAGCAGGATCTCCCAGACCTCGAGCTTGAACATGTTTCCGATGATGATGT-3'
Protein context (NP_055151.3, residues 70-90): EVWEILLTSM[Arg80Gln]VHEVAEFWCD